The following is an entry in ClinVar:

ClinVar aggregate classification (germline): Benign. Review status: criteria provided, multiple submitters, no conflicts (2 of 4 stars). 2 submissions from 2 submitters: Benign (2). Last evaluated 2018-01-13.

Conditions:
Hereditary spastic paraplegia 6 (SPG6). Also called: SPASTIC PARAPLEGIA 6, AUTOSOMAL DOMINANT. Identifiers: Orphanet 100988, MedGen C1838192, MONDO:0010878, OMIM 600363.

Allele frequency attached by ClinVar (database versions not stated): gnomAD 0.32452; TOPMed 0.35880; 1000 Genomes Project 30x 0.40365; 1000 Genomes Project 0.41014; gnomAD exomes 1.00000.
gnomAD v4.1: 52,960 of 152,104 alleles (35%); highest among the groups gnomAD compares: East Asian, 58%; 10,685 homozygotes.

Submissions (2):

Illumina Laboratory Services, Illumina
Classification: Benign for Hereditary spastic paraplegia 6. Last evaluated: 2018-01-13. Review status: criteria provided, single submitter. Criteria: ICSL Variant Classification Criteria 13 December 2019. Collection method: clinical testing. Allele origin: germline.
Comment: This variant was observed in the ICSL laboratory as part of a predisposition screen in an ostensibly healthy population. It had not been previously curated by ICSL or reported in the Human Gene Mutation Database (HGMD: prior to June 1st, 2018), and was therefore a candidate for classification through an automated scoring system. Utilizing variant allele frequency, disease prevalence and penetrance estimates, and inheritance mode, an automated score was calculated to assess if this variant is too frequent to cause the disease. Based on the score and internal cut-off values, a variant classified as benign is not then subjected to further curation. The score for this variant resulted in a classification of benign for this disease.

Breakthrough Genomics
Classification: Benign. Review status: criteria provided, single submitter. Criteria: ACMG Guidelines, 2015. Collection method: not provided. Allele origin: germline. Inheritance: Autosomal dominant inheritance. Affected: yes.

NM_144599.5(NIPA1):c.*1127C>G

Gene: NIPA1 (NIPA magnesium transporter 1; plus strand). Cytogenetic location: 15q11.2.
Variant type: single nucleotide variant.
Coding change: c.*1127C>G on transcript NM_144599.5 (MANE Select); 1127 bases downstream of the stop codon, C replaced by G.
Molecular consequence: 3 prime UTR variant.
Genome position (GRCh38, 1-based): chr15:22,825,366, C>G. VCF-style: chr15-22825366-C-G. GRCh37 (hg19) VCF-style: chr15-23047702-G-C.
Other names: c.*1127C>G (NM_001142275.1).
Identifiers: ClinVar variation 315405 (VCV000315405.6), dbSNP rs1059774, ClinGen allele CA10645532.